The following is an entry in ClinVar:

ClinVar aggregate classification (germline): Benign/Likely benign. Review status: criteria provided, multiple submitters, no conflicts (2 of 4 stars). 4 submissions from 4 submitters: Benign (2); Likely benign (1). 1 of the submissions does not count toward it. Last evaluated 2025-10-08.

Conditions:
ABCA13-related neurodevelopmental condition.
ABCA13-related disorder. Also called: ABCA13-related condition.

Allele frequency attached by ClinVar (database versions not stated): TOPMed 0.00146; 1000 Genomes Project 0.00180; ESP Exome Variant Server 0.00185; 1000 Genomes Project 30x 0.00203; gnomAD 0.00207.
gnomAD v4.1: 3,770 of 1,613,710 alleles (0.23%); highest among the groups gnomAD compares: Non-Finnish European, 0.28%; 5 homozygotes.

Submissions (4):

Applied Translational Genetics Group, University of Auckland
Classification: Benign for ABCA13-related neurodevelopmental condition. Last evaluated: 2025-10-08. Review status: criteria provided, single submitter. Criteria: ACMG Guidelines, 2015. Collection method: research. Allele origin: paternal. Inheritance: Autosomal recessive inheritance. Affected: yes. Observed: 1 compound heterozygote.
Comment: NM_152701.5:c.3460T>G is a missense mutation in the gene ABCA13 that results in the substitution of tryptophan for glycine at position 1154, both neutral amino acids. There have been reports of enrichments of mutations ABCA13 in autistic individuals (PMID: 38357255), however, a caustive role has not been clearly established. While the variant had a low frequency in the gnomAD population database (max 0.297% in subpopulations) (PM2), there was an individual which harboured the variant in a homozygous state (BS2). In silico prediction aggregation by Revel predicted the variant to be Deleterious (Supporting) (0.71) (PP3). However, there are 3 separate submissions of the variant as benign or likely bening in ClinVar (VCV000778021.15) (BP6), and the variant did not coseggregate in affected family members (BS4). In summary, this variant meets criteria to be classified as benign for ABCA13-related neurodevelopmental condition based on the ACMG/AMP criteria applied: PM2, BS2, PP3, BP6, BS4

CeGaT Center for Human Genetics Tuebingen
Classification: Benign. Last evaluated: 2024-06-01. Review status: criteria provided, single submitter. Criteria: CeGaT Center For Human Genetics Tuebingen Variant Classification Criteria Version 2. Collection method: clinical testing. Allele origin: germline. Affected: yes. Observed: 1 variant allele.
Comment: ABCA13: BS1, BS2

Labcorp Genetics (formerly Invitae), Labcorp
Classification: Likely benign. Last evaluated: 2017-12-14. Review status: criteria provided, single submitter. Criteria: Invitae Variant Classification Sherloc (09022015). Collection method: clinical testing. Allele origin: germline.

PreventionGenetics, part of Exact Sciences
Classification: Likely benign for ABCA13-related condition. Last evaluated: 2022-07-15. Review status: no assertion criteria provided. Collection method: clinical testing. Allele origin: germline. Not counted in ClinVar's aggregate classification.
Comment: This variant is classified as likely benign based on ACMG/AMP sequence variant interpretation guidelines (Richards et al. 2015 PMID: 25741868, with internal and published modifications).

Literature cited by the submitters: PubMed 40756852 (cited by Applied Translational Genetics Group, University of Auckland).

NM_152701.5(ABCA13):c.3460T>G (p.Trp1154Gly)

Gene: ABCA13 (ATP binding cassette subfamily A member 13; plus strand). Cytogenetic location: 7p12.3.
Variant type: single nucleotide variant.
Coding change: c.3460T>G on transcript NM_152701.5 (MANE Select); coding-DNA position 3460, T replaced by G.
Protein change: p.Trp1154Gly; replaces tryptophan 1154 with glycine.
Molecular consequence: missense variant.
Genome position (GRCh38, 1-based): chr7:48,273,126, T>G. VCF-style: chr7-48273126-T-G. GRCh37 (hg19) VCF-style: chr7-48312723-T-G.
Other names: short protein forms W1154G.
Identifiers: ClinVar variation 778021 (VCV000778021.23), dbSNP rs181907450, ClinGen allele CA4256861.
Genomic context (GRCh38, chr7:48,273,126, plus strand): 5'-AATGTCAGTGTGTTCAACAAGTTTATGTCCATTCACTGTACCGTTTCATGGCTTCAAATG[T>G]GGACTGAAATCTGGGAAACCATATCTCAATTATTTAAGTTTGACATGAATGTTTTCACAT-3'
Protein context (NP_689914.3, residues 1144-1164): IHCTVSWLQM[Trp1154Gly]TEIWETISQL